The following is an entry in ClinVar:

ClinVar aggregate classification (germline): Uncertain significance (1 of 4 stars; one submission).

Conditions:
Inborn genetic diseases. Identifiers: MedGen C0950123, MeSH D030342.

gnomAD v4.1: 1 of 1,613,938 alleles (0.000062%); highest among the groups gnomAD compares: African/African-American, 0.0013%; no homozygotes.

Submission:

Ambry Genetics
Classification: Uncertain significance for Inborn genetic diseases. Last evaluated: 2024-12-22. Review status: criteria provided, single submitter. Criteria: Ambry Variant Classification Scheme 2023. Collection method: clinical testing. Allele origin: germline.
Comment: The p.E1077G variant (also known as c.3230A>G), located in coding exon 24 of the ANKRD26 gene, results from an A to G substitution at nucleotide position 3230. The glutamic acid at codon 1077 is replaced by glycine, an amino acid with similar properties. This amino acid position is conserved. In addition, this alteration is predicted to be tolerated by in silico analysis. Based on the available evidence, the clinical significance of this variant remains unclear.

NM_014915.3(ANKRD26):c.3230A>G (p.Glu1077Gly)

Gene: ANKRD26 (ankyrin repeat domain containing 26; minus strand). Cytogenetic location: 10p12.1.
Variant type: single nucleotide variant.
Coding change: c.3230A>G on transcript NM_014915.3 (MANE Select); coding-DNA position 3230, A replaced by G.
Protein change: p.Glu1077Gly; replaces glutamic acid 1077 with glycine.
Molecular consequence: missense variant.
Genome position (GRCh38, 1-based): chr10:27,035,220, T>C on the plus strand (A>G on the coding strand, the complement: ANKRD26 is on the minus strand). VCF-style: chr10-27035220-T-C. GRCh37 (hg19) VCF-style: chr10-27324149-T-C.
Other names: c.3227A>G, p.Glu1076Gly (NM_001256053.2); short protein forms E1077G, E1076G.
Identifiers: ClinVar variation 3869649 (VCV003869649.1).